The following is an entry in ClinVar:

NM_000368.5(TSC1):c.2162G>T (p.Arg721Leu)

Gene: TSC1 (TSC complex subunit 1; minus strand). Cytogenetic location: 9q34.13.
Variant type: single nucleotide variant.
Coding change: c.2162G>T on transcript NM_000368.5 (MANE Select); coding-DNA position 2162, G replaced by T.
Protein change: p.Arg721Leu; replaces arginine 721 with leucine.
Molecular consequence: missense variant.
Genome position (GRCh38, 1-based): chr9:132,903,697, C>A on the plus strand (G>T on the coding strand, the complement: TSC1 is on the minus strand). VCF-style: chr9-132903697-C-A. GRCh37 (hg19) VCF-style: chr9-135779084-C-A.
Other names: c.2159G>T, p.Arg720Leu (NM_001162426.2); c.2009G>T, p.Arg670Leu (NM_001162427.2); c.1799G>T, p.Arg600Leu (NM_001362177.2); short protein forms R721L, R600L, R720L, R670L.
Identifiers: ClinVar variation 1443905 (VCV001443905.8), dbSNP rs769566267, ClinGen allele CA375360809.
Genomic context (GRCh38, chr9:132,903,697, plus strand): 5'-TCCCCAGTCCTCACCATGGCAGCATTATGTTCCTCCAGAGCTGCTGCTTTGATCACCTTG[C>A]GGAGGAGCCGCCTGTTCCGGAGGGCATGCTGCTGCCTCTTAAAACGCTCATAGAGTAACT-3'
Protein context (NP_000359.1, residues 711-731): QHALRNRRLL[Arg721Leu]KVIKAAALEE

ClinVar aggregate classification (germline): Uncertain significance (1 of 4 stars; one submission).

Conditions:
Tuberous sclerosis 1 (TSC1). Identifiers: Orphanet 805, MedGen C1854465, MONDO:0008612, OMIM 191100.

gnomAD v4.1: 2 of 1,612,918 alleles (0.00012%); highest among the groups gnomAD compares: East Asian, 0.0022%; no homozygotes.

Submission:

Labcorp Genetics (formerly Invitae), Labcorp
Classification: Uncertain significance for Tuberous sclerosis 1. Last evaluated: 2021-03-17. Review status: criteria provided, single submitter. Criteria: Invitae Variant Classification Sherloc (09022015). Collection method: clinical testing. Allele origin: germline.
Comment: In summary, the available evidence is currently insufficient to determine the role of this variant in disease. Therefore, it has been classified as a Variant of Uncertain Significance. Algorithms developed to predict the effect of missense changes on protein structure and function are either unavailable or do not agree on the potential impact of this missense change (SIFT: "Tolerated"; PolyPhen-2: "Possibly Damaging"; Align-GVGD: "Class C0"). This variant has not been reported in the literature in individuals with TSC1-related conditions. This variant is not present in population databases (ExAC no frequency). This sequence change replaces arginine with leucine at codon 721 of the TSC1 protein (p.Arg721Leu). The arginine residue is moderately conserved and there is a moderate physicochemical difference between arginine and leucine.